The following is an entry in ClinVar:

ClinVar aggregate classification (germline): Uncertain significance (1 of 4 stars; one submission).

Submission:

GeneDx
Classification: Uncertain significance. Last evaluated: 2024-06-05. Review status: criteria provided, single submitter. Criteria: GeneDx Variant Classification Process June 2021. Collection method: clinical testing. Allele origin: germline. Affected: yes.
Comment: Not observed at significant frequency in large population cohorts (gnomAD); In silico analysis supports that this missense variant has a deleterious effect on protein structure/function; Has not been previously published as pathogenic or benign to our knowledge

NM_182931.3(KMT2E):c.106G>C (p.Glu36Gln)

Gene: KMT2E (lysine methyltransferase 2E (inactive); plus strand). Cytogenetic location: 7q22.3.
Variant type: single nucleotide variant.
Coding change: c.106G>C on transcript NM_182931.3 (MANE Select); coding-DNA position 106, G replaced by C.
Protein change: p.Glu36Gln; replaces glutamic acid 36 with glutamine.
Molecular consequence: missense variant.
Genome position (GRCh38, 1-based): chr7:105,062,198, G>C. VCF-style: chr7-105062198-G-C. GRCh37 (hg19) VCF-style: chr7-104702645-G-C.
Other names: c.106G>C, p.Glu36Gln (NM_018682.4); short protein forms E36Q.
Identifiers: ClinVar variation 1693394 (VCV001693394.3), dbSNP rs2129567133, ClinGen allele CA368774114.